The following is an entry in ClinVar:

NM_004722.4(AP4M1):c.1346A>G (p.Tyr449Cys)

Gene: AP4M1 (adaptor related protein complex 4 subunit mu 1; plus strand). Cytogenetic location: 7q22.1.
Variant type: single nucleotide variant.
Coding change: c.1346A>G on transcript NM_004722.4 (MANE Select); coding-DNA position 1346, A replaced by G.
Protein change: p.Tyr449Cys; replaces tyrosine 449 with cysteine.
Molecular consequence: missense variant.
Genome position (GRCh38, 1-based): chr7:100,106,866, A>G. VCF-style: chr7-100106866-A-G. GRCh37 (hg19) VCF-style: chr7-99704489-A-G.
Other names: c.1367A>G, p.Tyr456Cys (NM_001363671.2); short protein forms Y456C, Y449C.
Identifiers: ClinVar variation 1368224 (VCV001368224.11), dbSNP rs754456635, ClinGen allele CA4375075.

ClinVar aggregate classification (germline): Uncertain significance. Review status: criteria provided, multiple submitters, no conflicts (2 of 4 stars). 3 submissions from 3 submitters: Uncertain significance (3). Last evaluated 2022-09-07.

Conditions:
Hereditary spastic paraplegia 50 (SPG50). Also called: Spastic paraplegia 50, autosomal recessive. Identifiers: Orphanet 280763, MedGen C2752008, MONDO:0013048, OMIM 612936.
Inborn genetic diseases. Identifiers: MedGen C0950123, MeSH D030342.

Allele frequency attached by ClinVar (database versions not stated): ExAC 0.00001; gnomAD exomes 0.00002.

Submissions (3):

Women's Health and Genetics/Laboratory Corporation of America, LabCorp
Classification: Uncertain significance. Last evaluated: 2022-09-07. Review status: criteria provided, single submitter. Criteria: LabCorp Variant Classification Summary - May 2015. Collection method: clinical testing. Allele origin: germline.
Comment: Variant summary: AP4M1 c.1346A>G (p.Tyr449Cys) results in a non-conservative amino acid change located in the Mu homology domain (IPR028565) of the encoded protein sequence. Four of five in-silico tools predict a damaging effect of the variant on protein function. The variant allele was found at a frequency of 2e-05 in 249880 control chromosomes. The available data on variant occurrences in the general population are insufficient to allow any conclusion about variant significance. To our knowledge, no occurrence of c.1346A>G in individuals affected with Hereditary Spastic Paraplegia 50 and no experimental evidence demonstrating its impact on protein function have been reported. One clinical diagnostic laboratory has submitted clinical-significance assessments for this variant to ClinVar after 2014 and classified the variant as uncertain significance. Based on the evidence outlined above, the variant was classified as uncertain significance.

Ambry Genetics
Classification: Uncertain significance for Inborn genetic diseases. Last evaluated: 2021-06-23. Review status: criteria provided, single submitter. Criteria: Ambry Variant Classification Scheme 2023. Collection method: clinical testing. Allele origin: germline.

Labcorp Genetics (formerly Invitae), Labcorp
Classification: Uncertain significance for Hereditary spastic paraplegia 50. Last evaluated: 2021-05-18. Review status: criteria provided, single submitter. Criteria: Invitae Variant Classification Sherloc (09022015). Collection method: clinical testing. Allele origin: germline.
Comment: Algorithms developed to predict the effect of missense changes on protein structure and function are either unavailable or do not agree on the potential impact of this missense change (SIFT: "Deleterious"; PolyPhen-2: "Probably Damaging"; Align-GVGD: "Class C0"). This variant has not been reported in the literature in individuals with AP4M1-related conditions. This variant is present in population databases (rs754456635, ExAC 0.006%). This sequence change replaces tyrosine with cysteine at codon 449 of the AP4M1 protein (p.Tyr449Cys). The tyrosine residue is highly conserved and there is a large physicochemical difference between tyrosine and cysteine. In summary, the available evidence is currently insufficient to determine the role of this variant in disease. Therefore, it has been classified as a Variant of Uncertain Significance.